The following is an entry in ClinVar:

ClinVar aggregate classification (germline): Uncertain significance. Review status: criteria provided, multiple submitters, no conflicts (2 of 4 stars). 2 submissions from 2 submitters: Uncertain significance (2). Last evaluated 2024-12-25.

Conditions:
Hereditary cancer-predisposing syndrome. Also called: Neoplastic Syndromes, Hereditary; Hereditary Cancer Syndrome; Tumor predisposition; Hereditary neoplastic syndrome. Identifiers: Orphanet 140162, MedGen C0027672, MeSH D009386, MONDO:0015356.
Rhabdoid tumor predisposition syndrome 2 (RTPS2). Identifiers: Orphanet 231108, Orphanet 69077, MedGen C2750074, MONDO:0013224, OMIM 613325.

Submissions (2):

Ambry Genetics
Classification: Uncertain significance for Hereditary cancer-predisposing syndrome. Last evaluated: 2024-12-25. Review status: criteria provided, single submitter. Criteria: Ambry Variant Classification Scheme 2023. Collection method: clinical testing. Allele origin: germline.
Comment: The p.I1583F variant (also known as c.4747A>T), located in coding exon 33 of the SMARCA4 gene, results from an A to T substitution at nucleotide position 4747. The isoleucine at codon 1583 is replaced by phenylalanine, an amino acid with highly similar properties. This amino acid position is highly conserved in available vertebrate species. In addition, the in silico prediction for this alteration is inconclusive. Since supporting evidence is limited at this time, the clinical significance of this alteration remains unclear.

Labcorp Genetics (formerly Invitae), Labcorp
Classification: Uncertain significance for Rhabdoid tumor predisposition syndrome 2. Last evaluated: 2021-06-30. Review status: criteria provided, single submitter. Criteria: Invitae Variant Classification Sherloc (09022015). Collection method: clinical testing. Allele origin: germline.
Comment: This sequence change replaces isoleucine with phenylalanine at codon 1583 of the SMARCA4 protein (p.Ile1583Phe). The isoleucine residue is highly conserved and there is a small physicochemical difference between isoleucine and phenylalanine. This variant is not present in population databases (ExAC no frequency). This variant has not been reported in the literature in individuals with SMARCA4-related conditions. Algorithms developed to predict the effect of missense changes on protein structure and function are either unavailable or do not agree on the potential impact of this missense change (SIFT: "Deleterious"; PolyPhen-2: "Possibly Damaging"; Align-GVGD: "Class C15"). In summary, the available evidence is currently insufficient to determine the role of this variant in disease. Therefore, it has been classified as a Variant of Uncertain Significance.

NM_003072.5(SMARCA4):c.4651A>T (p.Ile1551Phe)

Gene: SMARCA4 (SWI/SNF related BAF chromatin remodeling complex subunit ATPase 4; plus strand). Cytogenetic location: 19p13.2.
Variant type: single nucleotide variant.
Coding change: c.4651A>T on transcript NM_003072.5 (MANE Select); coding-DNA position 4651, A replaced by T.
Protein change: p.Ile1551Phe; replaces isoleucine 1551 with phenylalanine.
Molecular consequence: missense variant. On other transcripts: non-coding transcript variant (1).
Genome position (GRCh38, 1-based): chr19:11,059,768, A>T. VCF-style: chr19-11059768-A-T. GRCh37 (hg19) VCF-style: chr19-11170444-A-T.
Other names: c.4651A>T, p.Ile1551Phe (NM_001128844.3); c.4561A>T, p.Ile1521Phe (NM_001128845.2); c.4558A>T, p.Ile1520Phe (NM_001128846.2); c.4552A>T, p.Ile1518Phe (NM_001128847.4, NM_001374457.1); c.4549A>T, p.Ile1517Phe (NM_001128848.2); c.4747A>T, p.Ile1583Phe (NM_001128849.3, NM_001387283.1); short protein forms I1520F, I1583F, I1518F, I1517F, I1521F, I1551F.
Identifiers: ClinVar variation 1038750 (VCV001038750.12), dbSNP rs2076750711, ClinGen allele CA404079213.
Genomic context (GRCh38, chr19:11,059,768, plus strand): 5'-CTCCAGTCGGGCCCATCCACTCAAGCCCCTGGTGTCTCTGCCCAGATCTATGAAGACTCC[A>T]TCGTCTTGCAGTCGGTCTTCACCAGCGTGCGGCAGAAAATCGAGAAGGAGGATGACAGTG-3'
Protein context (NP_003063.2, residues 1541-1561): LEGSLIYEDS[Ile1551Phe]VLQSVFTSVR